The following is an entry in ClinVar:

ClinVar aggregate classification (germline): Pathogenic (1 of 4 stars; one submission).

Conditions:
Multiple congenital exostosis (EXT). Also called: Hereditary multiple osteochondromas; MULTIPLE CARTILAGINOUS EXOSTOSES; Hereditary multiple exostoses; Hereditary multiple exostosis; Multiple osteochondromas; Multiple exostoses. Identifiers: Orphanet 321, MedGen C0015306, MONDO:0005508, HP:0002762.

Submission:

Labcorp Genetics (formerly Invitae), Labcorp
Classification: Pathogenic for Multiple congenital exostosis. Last evaluated: 2024-08-19. Review status: criteria provided, single submitter. Criteria: Invitae Variant Classification Sherloc (09022015). Collection method: clinical testing. Allele origin: germline.
Comment: This sequence change creates a premature translational stop signal (p.Ser617Leufs*37) in the EXT1 gene. It is expected to result in an absent or disrupted protein product. Loss-of-function variants in EXT1 are known to be pathogenic (PMID: 10679937, 11391482, 19810120). This variant is not present in population databases (gnomAD no frequency). This variant has not been reported in the literature in individuals affected with EXT1-related conditions. For these reasons, this variant has been classified as Pathogenic.

Literature cited by the submitters: PubMed 10679937; PubMed 11391482; PubMed 19810120.

NM_000127.3(EXT1):c.1848dup (p.Ser617fs)

Gene: EXT1 (exostosin glycosyltransferase 1; minus strand). Cytogenetic location: 8q24.11.
Variant type: Duplication.
Coding change: c.1848dup on transcript NM_000127.3 (MANE Select); coding-DNA position 1848, one base duplicated (C; older notation c.1848dupC).
Protein change: p.Ser617fs; shifts the reading frame from serine 617.
Molecular consequence: frameshift variant.
Genome position (GRCh38, 1-based): chr8:117,807,252, G duplicated on the plus strand (C on the coding strand, the reverse complement: EXT1 is on the minus strand). VCF-style (leftmost placement, unchanged base first): chr8-117807251-A-AG. GRCh37 (hg19) VCF-style: chr8-118819490-A-AG.
Other names: short protein forms S617fs.
Identifiers: ClinVar variation 3662864 (VCV003662864.2).